The following is an entry in ClinVar:

NM_000501.4(ELN):c.1084G>C (p.Ala362Pro)

Gene: ELN (elastin; plus strand). Cytogenetic location: 7q11.23.
Variant type: single nucleotide variant.
Coding change: c.1084G>C on transcript NM_000501.4 (MANE Select); coding-DNA position 1084, G replaced by C.
Protein change: p.Ala362Pro; replaces alanine 362 with proline.
Molecular consequence: missense variant.
Genome position (GRCh38, 1-based): chr7:74,053,297, G>C. VCF-style: chr7-74053297-G-C. GRCh37 (hg19) VCF-style: chr7-73467627-G-C.
Other names: c.1054G>C, p.Ala352Pro (NM_001081752.3, NM_001278917.2); c.1099G>C, p.Ala367Pro (NM_001081753.3, NM_001081754.3); c.1084G>C, p.Ala362Pro (NM_001081755.3, NM_001278912.2, NM_001278915.2 and 1 more transcripts); c.976G>C, p.Ala326Pro (NM_001278913.2); c.1069G>C, p.Ala357Pro (NM_001278914.2); c.1084G>C (NM_000501.2); c.1042G>C, p.Ala348Pro (NM_001278916.2); c.952G>C, p.Ala318Pro (NM_001278918.2); short protein forms A326P, A348P, A318P, A352P, A362P, A367P, A357P.
Identifiers: ClinVar variation 2077384 (VCV002077384.6), dbSNP rs781882948, ClinGen allele CA4292820.
Genomic context (GRCh38, chr7:74,053,297, plus strand): 5'-CCAGGTGTTGGTGTCCCAGGAGCTGGGATTCCAGTTGTCCCAGGTGCTGGGATCCCAGGT[G>C]CTGCGGTTCCAGGTGAGCTGGGCTGTGTGTGTGTGTGTGTGTGTGTGTGTGTGTGTGTGT-3'
Protein context (NP_000492.2, residues 352-372): PVVPGAGIPG[Ala362Pro]AVPGVVSPEA

ClinVar aggregate classification (germline): Uncertain significance. Review status: criteria provided, multiple submitters, no conflicts (2 of 4 stars). 2 submissions from 2 submitters: Uncertain significance (2). Last evaluated 2026-01-01.

Conditions:
Supravalvar aortic stenosis (SVAS). Also called: Supravalvar aortic stenosis, Eisenberg type. Identifiers: Orphanet 3193, MedGen C0003499, MONDO:0008504, OMIM 185500, HP:0004381.

Allele frequency attached by ClinVar (database versions not stated): gnomAD 0.00001; TOPMed 0.00002; gnomAD exomes 0.00001.
gnomAD v4.1: 16 of 1,612,708 alleles (0.00099%); highest among the groups gnomAD compares: African/African-American, 0.0013%; no homozygotes.

Submissions (2):

GeneDx
Classification: Uncertain significance. Last evaluated: 2026-01-01. Review status: criteria provided, single submitter. Criteria: GeneDx Variant Classification Process June 2021. Collection method: clinical testing. Allele origin: germline.
Comment: Has not been previously published as pathogenic or benign to our knowledge; In silico analysis suggests that this missense variant does not alter protein structure/function; Not observed at significant frequency in large population cohorts (gnomAD)

Labcorp Genetics (formerly Invitae), Labcorp
Classification: Uncertain significance for Supravalvar aortic stenosis. Last evaluated: 2025-05-18. Review status: criteria provided, single submitter. Criteria: Invitae Variant Classification Sherloc (09022015). Collection method: clinical testing. Allele origin: germline.
Comment: This sequence change replaces alanine, which is neutral and non-polar, with proline, which is neutral and non-polar, at codon 362 of the ELN protein (p.Ala362Pro). This variant is not present in population databases (gnomAD no frequency). This variant has not been reported in the literature in individuals affected with ELN-related conditions. ClinVar contains an entry for this variant (Variation ID: 2077384). Invitae Evidence Modeling of protein sequence and biophysical properties (such as structural, functional, and spatial information, amino acid conservation, physicochemical variation, residue mobility, and thermodynamic stability) indicates that this missense variant is not expected to disrupt ELN protein function with a negative predictive value of 80%. In summary, the available evidence is currently insufficient to determine the role of this variant in disease. Therefore, it has been classified as a Variant of Uncertain Significance.